The following is an entry in ClinVar:

NM_024577.4(SH3TC2):c.3327+6T>G

Gene: SH3TC2 (SH3 domain and tetratricopeptide repeats 2; minus strand). Cytogenetic location: 5q32.
Variant type: single nucleotide variant.
Coding change: c.3327+6T>G on transcript NM_024577.4 (MANE Select); 6 bases into the intron after coding-DNA position 3327, T replaced by G.
Molecular consequence: intron variant.
Genome position (GRCh38, 1-based): chr5:149,010,264, A>C on the plus strand (T>G on the coding strand, the complement: SH3TC2 is on the minus strand). VCF-style: chr5-149010264-A-C. GRCh37 (hg19) VCF-style: chr5-148389827-A-C.
Identifiers: ClinVar variation 1996124 (VCV001996124.4), dbSNP rs1160885371, ClinGen allele CA2580073834.

ClinVar aggregate classification (germline): Uncertain significance (1 of 4 stars; one submission).

Conditions:
Charcot-Marie-Tooth disease type 4. Also called: Charcot-Marie-Tooth, Type 4; Charcot-Marie-Tooth disease, type IV. Identifiers: Orphanet 64749, MedGen C4082197, MONDO:0018995.

Allele frequency attached by ClinVar (database versions not stated): gnomAD exomes below 0.00001.
gnomAD v4.1: 1 of 1,614,158 alleles (0.000062%); highest among the groups gnomAD compares: Non-Finnish European, 0.000085%; no homozygotes.

Submission:

Labcorp Genetics (formerly Invitae), Labcorp
Classification: Uncertain significance for Charcot-Marie-Tooth disease type 4. Last evaluated: 2022-05-18. Review status: criteria provided, single submitter. Criteria: Invitae Variant Classification Sherloc (09022015). Collection method: clinical testing. Allele origin: germline.
Comment: This sequence change falls in intron 14 of the SH3TC2 gene. It does not directly change the encoded amino acid sequence of the SH3TC2 protein. It affects a nucleotide within the consensus splice site. This variant is not present in population databases (gnomAD no frequency). Variants that disrupt the consensus splice site are a relatively common cause of aberrant splicing (PMID: 17576681, 9536098). Algorithms developed to predict the effect of sequence changes on RNA splicing suggest that this variant may create or strengthen a splice site. In summary, the available evidence is currently insufficient to determine the role of this variant in disease. Therefore, it has been classified as a Variant of Uncertain Significance. This variant has not been reported in the literature in individuals affected with SH3TC2-related conditions.

Literature cited by the submitters: PubMed 17576681; PubMed 9536098.